The following is an entry in ClinVar:

NM_001211.6(BUB1B):c.2558A>G (p.Tyr853Cys)

Gene: BUB1B (BUB1 mitotic checkpoint serine/threonine kinase B; plus strand). Cytogenetic location: 15q15.1.
Variant type: single nucleotide variant.
Coding change: c.2558A>G on transcript NM_001211.6 (MANE Select); coding-DNA position 2558, A replaced by G.
Protein change: p.Tyr853Cys; replaces tyrosine 853 with cysteine.
Molecular consequence: missense variant.
Genome position (GRCh38, 1-based): chr15:40,213,354, A>G. VCF-style: chr15-40213354-A-G. GRCh37 (hg19) VCF-style: chr15-40505555-A-G.
Other names: short protein forms Y853C.
Identifiers: ClinVar variation 4868020 (VCV004868020.1).

ClinVar aggregate classification (germline): Uncertain significance (1 of 4 stars; one submission).

Conditions:
Inborn genetic diseases. Identifiers: MedGen C0950123, MeSH D030342.

Submission:

Ambry Genetics
Classification: Uncertain significance for Inborn genetic diseases. Last evaluated: 2026-06-03. Review status: criteria provided, single submitter. Criteria: Ambry Variant Classification Scheme 2023. Collection method: clinical testing. Allele origin: germline.
Comment: The p.Y853C variant (also known as c.2558A>G), located in coding exon 20 of the BUB1B gene, results from an A to G substitution at nucleotide position 2558. The tyrosine at codon 853 is replaced by cysteine, an amino acid with highly dissimilar properties. This amino acid position is conserved. In addition, this alteration is predicted to be tolerated by in silico analysis. Based on the available evidence, the clinical significance of this variant remains unclear.